The following is an entry in ClinVar:

NM_000530.8(MPZ):c.418T>C (p.Ser140Pro)

Gene: MPZ (myelin protein zero; minus strand). Cytogenetic location: 1q23.3.
Variant type: single nucleotide variant.
Coding change: c.418T>C on transcript NM_000530.8 (MANE Select); coding-DNA position 418, T replaced by C.
Protein change: p.Ser140Pro; replaces serine 140 with proline.
Molecular consequence: missense variant.
Genome position (GRCh38, 1-based): chr1:161,306,738, A>G on the plus strand (T>C on the coding strand, the complement: MPZ is on the minus strand). VCF-style: chr1-161306738-A-G. GRCh37 (hg19) VCF-style: chr1-161276528-A-G.
Other names: c.418T>C, p.Ser140Pro (NM_001315491.2); short protein forms S140P.
Identifiers: ClinVar variation 2971415 (VCV002971415.4), dbSNP rs572010627, ClinGen allele CA343348520.

ClinVar aggregate classification (germline): Conflicting classifications of pathogenicity. Review status: criteria provided, conflicting classifications (1 of 4 stars). 2 submissions from 2 submitters: Likely pathogenic (1); Uncertain significance (1). Last evaluated 2026-06-15.

Conditions:
Charcot-Marie-Tooth disease dominant intermediate D. Also called: CHARCOT-MARIE-TOOTH NEUROPATHY, DOMINANT INTERMEDIATE D; Charcot-Marie-Tooth disease dominant intermediate 3; CMT DI3. Identifiers: Orphanet 100046, MedGen C1843075, MONDO:0011909, OMIM 607791.
Charcot-Marie-Tooth disease, type I (CMT1). Also called: Charcot-Marie-Tooth, Type 1; Charcot-Marie-Tooth disease type 1. Identifiers: Orphanet 65753, MedGen C0751036, MONDO:0019011.

Submissions (2):

Institute of Human Genetics, University of Leipzig Medical Center
Classification: Likely pathogenic for Charcot-Marie-Tooth disease dominant intermediate D. Last evaluated: 2026-06-15. Review status: criteria provided, single submitter. Criteria: ACMG Guidelines, 2015. Collection method: clinical testing. Allele origin: unknown. Inheritance: Autosomal dominant inheritance. Affected: yes.
Comment: Criteria applied: PM2,PM5,PS4_SUP,PP2,PP3

Labcorp Genetics (formerly Invitae), Labcorp
Classification: Uncertain significance for Charcot-Marie-Tooth disease, type I. Last evaluated: 2023-04-14. Review status: criteria provided, single submitter. Criteria: Invitae Variant Classification Sherloc (09022015). Collection method: clinical testing. Allele origin: germline.
Comment: This sequence change replaces serine, which is neutral and polar, with proline, which is neutral and non-polar, at codon 140 of the MPZ protein (p.Ser140Pro). This variant is not present in population databases (gnomAD no frequency). This missense change has been observed in individuals with clinical features of MPZ-related conditions (PMID: 31393079; Invitae). Advanced modeling of protein sequence and biophysical properties (such as structural, functional, and spatial information, amino acid conservation, physicochemical variation, residue mobility, and thermodynamic stability) performed at Invitae indicates that this missense variant is not expected to disrupt MPZ protein function. This variant disrupts the p.Ser140 amino acid residue in MPZ. Other variant(s) that disrupt this residue have been determined to be pathogenic (PMID: 12207932, 14711881, 26310628). This suggests that this residue is clinically significant, and that variants that disrupt this residue are likely to be disease-causing. In summary, the available evidence is currently insufficient to determine the role of this variant in disease. Therefore, it has been classified as a Variant of Uncertain Significance.

Literature cited by the submitters: PubMed 31393079 (cited by Labcorp Genetics (formerly Invitae), Labcorp); PubMed 12207932 (cited by Labcorp Genetics (formerly Invitae), Labcorp); PubMed 14711881 (cited by Labcorp Genetics (formerly Invitae), Labcorp); PubMed 26310628 (cited by Labcorp Genetics (formerly Invitae), Labcorp).